The following is an entry in ClinVar:

NM_000371.4(TTR):c.263T>G (p.Ile88Arg)

Gene: TTR (transthyretin; plus strand). Cytogenetic location: 18q12.1.
Variant type: single nucleotide variant.
Coding change: c.263T>G on transcript NM_000371.4 (MANE Select); coding-DNA position 263, T replaced by G.
Protein change: p.Ile88Arg; replaces isoleucine 88 with arginine.
Molecular consequence: missense variant.
Genome position (GRCh38, 1-based): chr18:31,595,182, T>G. VCF-style: chr18-31595182-T-G. GRCh37 (hg19) VCF-style: chr18-29175145-T-G.
Other names: short protein forms I88R.
Identifiers: ClinVar variation 1794183 (VCV001794183.2), dbSNP rs1567946180, ClinGen allele CA402157012.

ClinVar aggregate classification (germline): Uncertain significance (1 of 4 stars; one submission).

Conditions:
Cardiovascular phenotype. Identifiers: MedGen CN230736.

Submission:

Ambry Genetics
Classification: Uncertain significance for Cardiovascular phenotype. Last evaluated: 2020-10-26. Review status: criteria provided, single submitter. Criteria: Ambry Variant Classification Scheme 2023. Collection method: clinical testing. Allele origin: germline.
Comment: The p.I88R variant (also known as c.263T>G), located in coding exon 3 of the TTR gene, results from a T to G substitution at nucleotide position 263. The isoleucine at codon 88 is replaced by arginine, an amino acid with similar properties. A pathogenic mutation affecting this codon (p.I88L, also known as Ile68Leu) has been reported in association with amyloidosis (Rapezzi C et al. Eur Heart J. 2013; 34(7):520-8). Based on internal structural analysis, the p.I88R variant is predicted to be structurally disruptive (Zhang J et al. Environ Sci Technol. 2016 11;50(21):11984-11993). This amino acid position is poorly conserved in available vertebrate species. In addition, the in silico prediction for this alteration is inconclusive. Since supporting evidence is limited at this time, the clinical significance of this alteration remains unclear.

Literature cited by the submitters: PubMed 27668830.